The following is an entry in ClinVar:

ClinVar aggregate classification (germline): Likely pathogenic (1 of 4 stars; one submission).

Conditions:
Congenital hyperammonemia, type I. Also called: Carbamoyl phosphate synthetase I deficiency disease; Carbamoyl phosphate synthetase 1 deficiency; Hyperammonemia due to carbamoyl phosphate synthetase 1 deficiency; CPS 1 deficiency; Carbamyl phosphate synthetase (CPS) deficiency; Carbamoyl-phosphate synthase I deficiency. Identifiers: Orphanet 147, MedGen C4082171, MONDO:0009376, OMIM 237300.

Submission:

Myriad Genetics, Inc.
Classification: Likely pathogenic for Congenital hyperammonemia, type I. Last evaluated: 2019-03-31. Review status: criteria provided, single submitter. Criteria: Myriad Women's Health Autosomal Recessive and X-Linked Classification Criteria (2019). Collection method: clinical testing. Allele origin: unknown.
Comment: NM_001875.4(CPS1):c.3610G>T(G1204*) is expected to be pathogenic in the context of carbamoylphosphate synthetase I deficiency. This variant is predicted to lead to an abnormal or absent protein product due to the creation of a premature termination codon in CPS1, a gene where loss-of-function variants are known to be pathogenic. Please note: this variant was assessed in the context of healthy population screening.

NM_001875.5(CPS1):c.3610G>T (p.Gly1204Ter)

Gene: CPS1 (carbamoyl-phosphate synthase 1; plus strand). Cytogenetic location: 2q34.
Variant type: single nucleotide variant.
Coding change: c.3610G>T on transcript NM_001875.5 (MANE Select); coding-DNA position 3610, G replaced by T.
Protein change: p.Gly1204Ter; replaces glycine 1204 with a stop codon.
Molecular consequence: nonsense. On other transcripts: non-coding transcript variant (2).
Genome position (GRCh38, 1-based): chr2:210,656,576, G>T. VCF-style: chr2-210656576-G-T. GRCh37 (hg19) VCF-style: chr2-211521300-G-T.
Other names: c.3610G>T, p.Gly1204Ter (NM_001122633.3, NM_001369257.1); c.3643G>T, p.Gly1215Ter (NM_001369256.1); short protein forms G1204*, G1215*.
Identifiers: ClinVar variation 983915 (VCV000983915.3), dbSNP rs1700715255, ClinGen allele CA350437809.